The following is an entry in ClinVar:

NM_001267550.2(TTN):c.54993_55007delinsTAATCTGAAAGA (p.Cys18332_Val18336delinsAsnLeuLysGlu)

Genes: TTN (titin; minus strand), TTN-AS1 (TTN antisense RNA 1; plus strand). Cytogenetic location: 2q31.2.
Variant type: Indel.
Coding change: c.54993_55007delinsTAATCTGAAAGA on transcript NM_001267550.2 (MANE Select); coding-DNA positions 54993 to 55007, CTGTGAATGTGTGGT replaced by TAATCTGAAAGA.
Protein change: p.Cys18332_Val18336delinsAsnLeuLysGlu.
Molecular consequence: inframe indel.
Genome position (GRCh38, 1-based): chr2:178,602,395-178,602,409, ACCACACATTCACAG replaced by TCTTTCAGATTA on the plus strand (CTGTGAATGTGTGGT replaced by TAATCTGAAAGA on the coding strand, the reverse complement: TTN is on the minus strand). VCF-style: chr2-178602395-ACCACACATTCACAG-TCTTTCAGATTA. GRCh37 (hg19) VCF-style: chr2-179467122-ACCACACATTCACAG-TCTTTCAGATTA.
Other names: c.50070_50084delinsTAATCTGAAAGA, p.Cys16691_Val16695delinsAsnLeuLysGlu (NM_001256850.1); c.27798_27812delinsTAATCTGAAAGA, p.Cys9267_Val9271delinsAsnLeuLysGlu (NM_003319.4); c.47289_47303delinsTAATCTGAAAGA, p.Cys15764_Val15768delinsAsnLeuLysGlu (NM_133378.4); c.28173_28187delinsTAATCTGAAAGA, p.Cys9392_Val9396delinsAsnLeuLysGlu (NM_133432.3); c.28374_28388delinsTAATCTGAAAGA, p.Cys9459_Val9463delinsAsnLeuLysGlu (NM_133437.4); c.27798_27812del15insTAATCTGAAAGA (NM_003319.4).
Identifiers: ClinVar variation 1795880 (VCV001795880.2), dbSNP rs2470048044, ClinGen allele CA2580064778.
Genomic context (GRCh38, chr2:178,602,395, plus strand): 5'-CCAGCTTCATTGACAGCTTTCACTCTGAATCTGTACTTCCTGAGCTCTTTCAGATTAGGC[ACCACACATTCACAG>TCTTTCAGATTA]GTAGTTATAAGTTTGTCTGGTTCATTTACTCTTTTCCAGTCAGTAGTACCTTCTTCTTGC-3'

ClinVar aggregate classification (germline): Uncertain significance (1 of 4 stars; one submission).

Conditions:
Cardiovascular phenotype. Identifiers: MedGen CN230736.

Submission:

Ambry Genetics
Classification: Uncertain significance for Cardiovascular phenotype. Last evaluated: 2022-08-11. Review status: criteria provided, single submitter. Criteria: Ambry Variant Classification Scheme 2023. Collection method: clinical testing. Allele origin: germline.
Comment: The c.27798_27812del15ins12 variant (also known as p.C9267_V9271delinsNLKE), located in coding exon 110 of the TTN gene, results from an in-frame deletion of CTGTGAATGTGTGGT and insertion of TAATCTGAAAGA at nucleotide positions 27798 to 27812. This results in the substitution of five amino acids (CECVV) for four amino acids (NLKE) at codons 9267 to 9271. This amino acid region is not well conserved in available vertebrate species. Since supporting evidence is limited at this time, the clinical significance of this alteration remains unclear.